The following is an entry in ClinVar:

ClinVar aggregate classification (germline): Uncertain significance (1 of 4 stars; one submission).

Submission:

GeneDx
Classification: Uncertain significance. Last evaluated: 2024-07-10. Review status: criteria provided, single submitter. Criteria: GeneDx Variant Classification Process June 2021. Collection method: clinical testing. Allele origin: germline. Affected: yes.
Comment: Not observed at significant frequency in large population cohorts (gnomAD); In silico analysis supports that this missense variant has a deleterious effect on protein structure/function; Has not been previously published as pathogenic or benign to our knowledge

NM_002578.5(PAK3):c.1557A>T (p.Leu519Phe)

Gene: PAK3 (p21 (RAC1) activated kinase 3; plus strand). Cytogenetic location: Xq23.
Variant type: single nucleotide variant.
Coding change: c.1557A>T on transcript NM_002578.5 (MANE Select); coding-DNA position 1557, A replaced by T.
Protein change: p.Leu519Phe; replaces leucine 519 with phenylalanine.
Molecular consequence: missense variant. On other transcripts: non-coding transcript variant (2).
Genome position (GRCh38, 1-based): chrX:111,220,369, A>T. VCF-style: chrX-111220369-A-T. GRCh37 (hg19) VCF-style: chrX-110463597-A-T.
Other names: c.1557A>T, p.Leu519Phe (NM_001128166.3, NM_001128167.3, NM_001324325.2 and 5 more transcripts); c.1665A>T, p.Leu555Phe (NM_001128168.3); c.1620A>T, p.Leu540Phe (NM_001128172.2); c.1602A>T, p.Leu534Phe (NM_001128173.3, NM_001324327.2, NM_001324328.2 and 2 more transcripts); short protein forms L519F, L555F, L540F, L534F.
Identifiers: ClinVar variation 3572683 (VCV003572683.1).